The following is an entry in ClinVar:

NM_001190737.2(NFIB):c.*61C>T

Gene: NFIB (nuclear factor I B; minus strand). Cytogenetic location: 9p23.
Variant type: single nucleotide variant.
Coding change: c.*61C>T on transcript NM_001190737.2 (MANE Select); 61 bases downstream of the stop codon, C replaced by T.
Molecular consequence: 3 prime UTR variant. On other transcripts: synonymous variant (12), missense variant (1), non-coding transcript variant (4).
Genome position (GRCh38, 1-based): chr9:14,088,248, G>A on the plus strand (C>T on the coding strand, the complement: NFIB is on the minus strand). VCF-style: chr9-14088248-G-A. GRCh37 (hg19) VCF-style: chr9-14088247-G-A.
Other names: c.*61C>T (NM_001190738.2, NM_001369465.1, NM_001369468.1 and 10 more transcripts); c.879C>T, p.Tyr293= (NM_001282787.2); c.1728C>T, p.Tyr576= (NM_001369458.1); c.1701C>T, p.Tyr567= (NM_001369459.1); c.1650C>T, p.Tyr550= (NM_001369460.1); c.1635C>T, p.Tyr545= (NM_001369461.1); c.1479C>T, p.Tyr493= (NM_001369462.1); c.1478C>T, p.Thr493Met (NM_001369463.1); and 6 more; short protein forms T493M.
Identifiers: ClinVar variation 3036950 (VCV003036950.10), dbSNP rs376682001, ClinGen allele CA4988387.

ClinVar aggregate classification (germline): Likely benign. Review status: criteria provided, multiple submitters, no conflicts (2 of 4 stars). 3 submissions from 3 submitters: Likely benign (2). 1 of the submissions does not count toward it. Last evaluated 2025-03-01.

Conditions:
NFIB-related disorder. Also called: NFIB-related condition.

Allele frequency attached by ClinVar (database versions not stated): gnomAD exomes 0.00011; gnomAD 0.00012; TOPMed 0.00012; ExAC 0.00017; ESP Exome Variant Server 0.00022.

Submissions (3):

CeGaT Center for Human Genetics Tuebingen
Classification: Likely benign. Last evaluated: 2025-03-01. Review status: criteria provided, single submitter. Criteria: CeGaT Center For Human Genetics Tuebingen Variant Classification Criteria Version 2. Collection method: clinical testing. Allele origin: germline. Affected: yes. Observed: 1 variant allele.
Comment: NFIB: BP4, BP7

Blueprint Genetics
Classification: Likely benign. Last evaluated: 2024-10-11. Review status: criteria provided, single submitter. Criteria: ACMG Guidelines, 2015. Collection method: clinical testing. Allele origin: germline.

PreventionGenetics, part of Exact Sciences
Classification: Likely benign for NFIB-related condition. Last evaluated: 2023-03-02. Review status: no assertion criteria provided. Collection method: clinical testing. Allele origin: germline. Not counted in ClinVar's aggregate classification.
Comment: This variant is classified as likely benign based on ACMG/AMP sequence variant interpretation guidelines (Richards et al. 2015 PMID: 25741868, with internal and published modifications).